The following is an entry in ClinVar:

ClinVar aggregate classification (germline): Uncertain significance (1 of 4 stars; one submission).

Conditions:
Dilated cardiomyopathy 1G (CMD1G). Identifiers: Orphanet 154, MedGen C1858763, MONDO:0011400, OMIM 604145.
Autosomal recessive limb-girdle muscular dystrophy type 2J (LGMDR10). Also called: Limb-girdle muscular dystrophy, type 2J; MUSCULAR DYSTROPHY, LIMB-GIRDLE, AUTOSOMAL RECESSIVE 10. Identifiers: Orphanet 140922, MedGen C1837342, MONDO:0012127, OMIM 608807.

Submission:

Labcorp Genetics (formerly Invitae), Labcorp
Classification: Uncertain significance for Dilated cardiomyopathy 1G; Autosomal recessive limb-girdle muscular dystrophy type 2J. Last evaluated: 2024-04-22. Review status: criteria provided, single submitter. Criteria: Invitae Variant Classification Sherloc (09022015). Collection method: clinical testing. Allele origin: germline.
Comment: This sequence change replaces isoleucine, which is neutral and non-polar, with methionine, which is neutral and non-polar, at codon 34042 of the TTN protein (p.Ile34042Met). This variant is not present in population databases (gnomAD no frequency). This variant has not been reported in the literature in individuals affected with TTN-related conditions. Experimental studies and prediction algorithms are not available or were not evaluated, and the functional significance of this variant is currently unknown. This variant is located in the M band of TTN (PMID: 25589632). Non-truncating variants in this region may be relevant for neuromuscular disorders, but have not been definitively shown to cause cardiomyopathy (PMID: 23975875). In summary, the available evidence is currently insufficient to determine the role of this variant in disease. Therefore, it has been classified as a Variant of Uncertain Significance.

Literature cited by the submitters: PubMed 25589632; PubMed 23975875.

NM_001267550.2(TTN):c.102126T>G (p.Ile34042Met)

Genes: TTN (titin; minus strand), TTN-AS1 (TTN antisense RNA 1; plus strand). Cytogenetic location: 2q31.2.
Variant type: single nucleotide variant.
Coding change: c.102126T>G on transcript NM_001267550.2 (MANE Select); coding-DNA position 102126, T replaced by G.
Protein change: p.Ile34042Met; replaces isoleucine 34042 with methionine.
Molecular consequence: missense variant.
Genome position (GRCh38, 1-based): chr2:178,534,489, A>C on the plus strand (T>G on the coding strand, the complement: TTN is on the minus strand). VCF-style: chr2-178534489-A-C. GRCh37 (hg19) VCF-style: chr2-179399216-A-C.
Other names: c.97203T>G, p.Ile32401Met (NM_001256850.1); c.74931T>G, p.Ile24977Met (NM_003319.4); c.94422T>G, p.Ile31474Met (NM_133378.4); c.75306T>G, p.Ile25102Met (NM_133432.3); c.75507T>G, p.Ile25169Met (NM_133437.4); short protein forms I24977M, I25102M, I25169M, I31474M, I32401M, I34042M.
Identifiers: ClinVar variation 3749374 (VCV003749374.2).
Genomic context (GRCh38, chr2:178,534,489, plus strand): 5'-CATGCGAGATTTCCTCTCTTTCACTAACAACCGGTCAACAAAATCCATGGCTTCAATGCT[A>C]ATCTCTTTGAATGCTTCCTCATCGAAAGTATATTCAGCATTCATGATATTCTCAATGATC-3'
Protein context (NP_001254479.2, residues 34032-34052): YTFDEEAFKE[Ile34042Met]SIEAMDFVDR